The following is an entry in ClinVar:

NM_014241.4(HACD1):c.422C>G (p.Thr141Ser)

Gene: HACD1 (3-hydroxyacyl-CoA dehydratase 1; minus strand). Cytogenetic location: 10p12.33.
Variant type: single nucleotide variant.
Coding change: c.422C>G on transcript NM_014241.4 (MANE Select); coding-DNA position 422, C replaced by G.
Protein change: p.Thr141Ser; replaces threonine 141 with serine.
Molecular consequence: missense variant.
Genome position (GRCh38, 1-based): chr10:17,603,621, G>C on the plus strand (C>G on the coding strand, the complement: HACD1 is on the minus strand). VCF-style: chr10-17603621-G-C. GRCh37 (hg19) VCF-style: chr10-17645620-G-C.
Other names: short protein forms T141S.
Identifiers: ClinVar variation 2419948 (VCV002419948.5), dbSNP rs1005744885, ClinGen allele CA203677143.

ClinVar aggregate classification (germline): Uncertain significance (1 of 4 stars; one submission).

Allele frequency attached by ClinVar (database versions not stated): gnomAD exomes below 0.00001; TOPMed below 0.00001.
gnomAD v4.1: 1 of 1,613,500 alleles (0.000062%); highest among the groups gnomAD compares: Admixed American, 0.0017%; no homozygotes.

Submission:

Labcorp Genetics (formerly Invitae), Labcorp
Classification: Uncertain significance. Last evaluated: 2022-06-29. Review status: criteria provided, single submitter. Criteria: Invitae Variant Classification Sherloc (09022015). Collection method: clinical testing. Allele origin: germline.
Comment: This sequence change replaces threonine, which is neutral and polar, with serine, which is neutral and polar, at codon 141 of the HACD1 protein (p.Thr141Ser). This variant is present in population databases (no rsID available, gnomAD 0.003%). In summary, the available evidence is currently insufficient to determine the role of this variant in disease. Therefore, it has been classified as a Variant of Uncertain Significance. Algorithms developed to predict the effect of missense changes on protein structure and function are either unavailable or do not agree on the potential impact of this missense change (SIFT: "Deleterious"; PolyPhen-2: "Benign"; Align-GVGD: "Class C0"). This variant has not been reported in the literature in individuals affected with HACD1-related conditions.